The following is an entry in ClinVar:

ClinVar aggregate classification (germline): Uncertain significance (1 of 4 stars; one submission).

Conditions:
Autosomal dominant nonsyndromic hearing loss 1. Also called: DEAFNESS, AUTOSOMAL DOMINANT 1, WITH OR WITHOUT THROMBOCYTOPENIA; KONIGSMARK SYNDROME. Identifiers: Orphanet 90635, MedGen C1852282, MONDO:0007424, OMIM 124900.
Progressive microcephaly-seizures-cortical blindness-developmental delay syndrome. Also called: Seizures, cortical blindness, and microcephaly syndrome. Identifiers: Orphanet 477814, MedGen C5567650, MONDO:0014714, OMIM 616632.

gnomAD v4.1: 18 of 1,276,012 alleles (0.0014%); highest among the groups gnomAD compares: Non-Finnish European, 0.0016%; no homozygotes.

Submission:

Labcorp Genetics (formerly Invitae), Labcorp
Classification: Uncertain significance for Progressive microcephaly-seizures-cortical blindness-developmental delay syndrome; Autosomal dominant nonsyndromic hearing loss 1. Last evaluated: 2025-12-23. Review status: criteria provided, single submitter. Criteria: Invitae Variant Classification Sherloc (09022015). Collection method: clinical testing. Allele origin: germline.
Comment: This sequence change replaces isoleucine, which is neutral and non-polar, with threonine, which is neutral and polar, at codon 700 of the DIAPH1 protein (p.Ile700Thr). This variant is present in population databases (rs199830182, gnomAD 0.002%). This variant has not been reported in the literature in individuals affected with DIAPH1-related conditions. ClinVar contains an entry for this variant (Variation ID: 1041741). Experimental studies and prediction algorithms are not available or were not evaluated, and the functional significance of this variant is currently unknown. In summary, the available evidence is currently insufficient to determine the role of this variant in disease. Therefore, it has been classified as a Variant of Uncertain Significance.

NM_005219.5(DIAPH1):c.2099T>C (p.Ile700Thr)

Gene: DIAPH1 (diaphanous related formin 1; minus strand). Cytogenetic location: 5q31.3.
Variant type: single nucleotide variant.
Coding change: c.2099T>C on transcript NM_005219.5 (MANE Select); coding-DNA position 2099, T replaced by C.
Protein change: p.Ile700Thr; replaces isoleucine 700 with threonine.
Molecular consequence: missense variant.
Genome position (GRCh38, 1-based): chr5:141,573,751, A>G on the plus strand (T>C on the coding strand, the complement: DIAPH1 is on the minus strand). VCF-style: chr5-141573751-A-G. GRCh37 (hg19) VCF-style: chr5-140953318-A-G.
Other names: c.2072T>C, p.Ile691Thr (NM_001079812.3); c.2099T>C, p.Ile700Thr (NM_001314007.2); short protein forms I700T, I691T.
Identifiers: ClinVar variation 1041741 (VCV001041741.9), dbSNP rs199830182, ClinGen allele CA3479164.